The following is an entry in ClinVar:

NC_000001.10:g.100330092T>A

Gene: AGL (amylo-alpha-1,6-glucosidase and 4-alpha-glucanotransferase; plus strand). Cytogenetic location: 1p21.2.
Variant type: single nucleotide variant.
Molecular consequence: nonsense (on NM_000642.3).
Genome position: GRCh38 VCF-style: chr1-99864536-T-A. GRCh37 (hg19) VCF-style: chr1-100330092-T-A.
Other names: c.611T>A, p.Leu204Ter (NM_000028.3, NM_000642.3, NM_000643.3 and 4 more transcripts); c.563T>A, p.Leu188Ter (NM_000646.3); c.233T>A, p.Leu78Ter (NM_001425332.1); short protein forms L204*, L188*, L78*.
Identifiers: ClinVar variation 242589 (VCV000242589.3), dbSNP rs794729208, ClinGen allele CA052398.

ClinVar aggregate classification (germline): Pathogenic/Likely pathogenic. Review status: criteria provided, multiple submitters, no conflicts (2 of 4 stars). 2 submissions from 2 submitters: Pathogenic (1); Likely pathogenic (1). Last evaluated 2024-05-08.

Conditions:
Glycogen storage disease type III (GSD3). Also called: FORBES DISEASE; Cori disease. Identifiers: Orphanet 366, MedGen C0017922, MONDO:0009291, OMIM 232400.

Submissions (2):

Myriad Genetics, Inc.
Classification: Pathogenic for Glycogen storage disease type III. Last evaluated: 2024-05-08. Review status: criteria provided, single submitter. Criteria: Myriad Autosomal Dominant, Autosomal Recessive and X-Linked Classification Criteria (2023). Collection method: clinical testing. Allele origin: unknown.
Comment: NM_000642.2(AGL):c.611T>A(L204*) is expected to be pathogenic in the context of glycogen storage disease type III. This variant is predicted to lead to an abnormal or absent protein product due to the creation of a premature termination codon in AGL, a gene where loss-of-function variants are known to be pathogenic. Please note: this variant was assessed in the context of healthy population screening.

Mendelics
Classification: Likely pathogenic for Glycogen storage disease type III. Last evaluated: 2019-05-28. Review status: criteria provided, single submitter. Criteria: Mendelics Assertion Criteria 2017. Collection method: clinical testing. Allele origin: unknown.